The following is an entry in ClinVar:

NM_133510.4(RAD51B):c.307C>G (p.Leu103Val)

Gene: RAD51B (RAD51 paralog B; plus strand). Cytogenetic location: 14q24.1.
Variant type: single nucleotide variant.
Coding change: c.307C>G on transcript NM_133510.4 (MANE Select); coding-DNA position 307, C replaced by G.
Protein change: p.Leu103Val; replaces leucine 103 with valine.
Molecular consequence: missense variant. On other transcripts: 5 prime UTR variant (1).
Genome position (GRCh38, 1-based): chr14:67,835,188, C>G. VCF-style: chr14-67835188-C-G. GRCh37 (hg19) VCF-style: chr14-68301905-C-G.
Other names: c.307C>G, p.Leu103Val (NM_001321809.2, NM_001321810.2, NM_001321812.1 and 6 more transcripts); c.193C>G, p.Leu65Val (NM_001321815.1); c.-149C>G (NM_001321817.2); short protein forms L103V, L65V.
Identifiers: ClinVar variation 5027774 (VCV005027774.1).

ClinVar aggregate classification (germline): Uncertain significance (1 of 4 stars; one submission).

Submission:

Ambry Genetics
Classification: Uncertain significance. Last evaluated: 2026-07-13. Review status: criteria provided, single submitter. Criteria: Ambry Variant Classification Scheme 2023. Collection method: clinical testing. Allele origin: germline.
Comment: The p.L103V variant (also known as c.307C>G), located in coding exon 3 of the RAD51B gene, results from a C to G substitution at nucleotide position 307. The leucine at codon 103 is replaced by valine, an amino acid with highly similar properties. This amino acid position is highly conserved in available vertebrate species. In addition, this alteration is predicted to be tolerated by in silico analysis. The evidence for this gene-disease relationship is limited; therefore, the clinical significance of this variant is unclear.